The following is an entry in ClinVar:

ClinVar aggregate classification (germline): Conflicting classifications of pathogenicity. Review status: criteria provided, conflicting classifications (1 of 4 stars). 2 submissions from 2 submitters: Uncertain significance (1); Likely benign (1). Last evaluated 2025-11-19.

Conditions:
Hereditary cancer-predisposing syndrome. Also called: Tumor predisposition; Hereditary neoplastic syndrome; Hereditary Cancer Syndrome; Neoplastic Syndromes, Hereditary. Identifiers: Orphanet 140162, MedGen C0027672, MeSH D009386, MONDO:0015356.
Oligodontia-cancer predisposition syndrome. Also called: TOOTH AGENESIS-COLORECTAL CANCER SYNDROME. Identifiers: Orphanet 300576, MedGen C1837750, MONDO:0012075, OMIM 608615. Disease mechanism: loss of function.

Submissions (2):

Ambry Genetics
Classification: Likely benign for Hereditary cancer-predisposing syndrome. Last evaluated: 2025-11-19. Review status: criteria provided, single submitter. Criteria: Ambry Variant Classification Scheme 2023. Collection method: clinical testing. Allele origin: germline.

Labcorp Genetics (formerly Invitae), Labcorp
Classification: Uncertain significance for Oligodontia-cancer predisposition syndrome. Last evaluated: 2023-11-29. Review status: criteria provided, single submitter. Criteria: Invitae Variant Classification Sherloc (09022015). Collection method: clinical testing. Allele origin: germline.
Comment: This sequence change replaces proline, which is neutral and non-polar, with leucine, which is neutral and non-polar, at codon 579 of the AXIN2 protein (p.Pro579Leu). This variant is not present in population databases (gnomAD no frequency). This variant has not been reported in the literature in individuals affected with AXIN2-related conditions. ClinVar contains an entry for this variant (Variation ID: 1051366). An algorithm developed to predict the effect of missense changes on protein structure and function (PolyPhen-2) suggests that this variant is likely to be tolerated. In summary, the available evidence is currently insufficient to determine the role of this variant in disease. Therefore, it has been classified as a Variant of Uncertain Significance.

NM_004655.4(AXIN2):c.1736C>T (p.Pro579Leu)

Gene: AXIN2 (axin 2; minus strand). Cytogenetic location: 17q24.1.
Variant type: single nucleotide variant.
Coding change: c.1736C>T on transcript NM_004655.4 (MANE Select); coding-DNA position 1736, C replaced by T.
Protein change: p.Pro579Leu; replaces proline 579 with leucine.
Molecular consequence: missense variant. On other transcripts: intron variant (1).
Genome position (GRCh38, 1-based): chr17:65,537,040, G>A on the plus strand (C>T on the coding strand, the complement: AXIN2 is on the minus strand). VCF-style: chr17-65537040-G-A. GRCh37 (hg19) VCF-style: chr17-63533158-G-A.
Other names: c.1712+284C>T (NM_001363813.1); short protein forms P579L.
Identifiers: ClinVar variation 1051366 (VCV001051366.12), dbSNP rs2043937008, ClinGen allele CA400676718.